The following is an entry in ClinVar:

NM_006343.3(MERTK):c.2518G>A (p.Asp840Asn)

Gene: MERTK (MER proto-oncogene, tyrosine kinase; plus strand). Cytogenetic location: 2q13.
Variant type: single nucleotide variant.
Coding change: c.2518G>A on transcript NM_006343.3 (MANE Select); coding-DNA position 2518, G replaced by A.
Protein change: p.Asp840Asn; replaces aspartic acid 840 with asparagine.
Molecular consequence: missense variant.
Genome position (GRCh38, 1-based): chr2:112,028,382, G>A. VCF-style: chr2-112028382-G-A. GRCh37 (hg19) VCF-style: chr2-112785959-G-A.
Other names: short protein forms D840N.
Identifiers: ClinVar variation 2083477 (VCV002083477.2), dbSNP rs752793588, ClinGen allele CA348242277.
Genomic context (GRCh38, chr2:112,028,382, plus strand): 5'-GAGACAATCCACTTCTTTTTAACTTTCAGGTATGAAATAATGTACTCTTGCTGGAGAACC[G>A]ATCCCTTAGACCGCCCCACCTTTTCAGTATTGAGGCTGCAGCTAGAAAAACTCTTAGAAA-3'
Protein context (NP_006334.2, residues 830-850): YEIMYSCWRT[Asp840Asn]PLDRPTFSVL

ClinVar aggregate classification (germline): Uncertain significance. Review status: criteria provided, multiple submitters, no conflicts (2 of 4 stars). 2 submissions from 2 submitters: Uncertain significance (2). Last evaluated 2023-10-01.

Conditions:
Retinal dystrophy. Also called: Inherited retinal dystrophy. Identifiers: Orphanet 71862, MedGen C0854723, MeSH D058499, MONDO:0019118, HP:0000556.

Allele frequency attached by ClinVar (database versions not stated): gnomAD 0.00002; TOPMed 0.00003.
gnomAD v4.1: 26 of 1,614,136 alleles (0.0016%); highest among the groups gnomAD compares: East Asian, 0.045%; 1 homozygote.

Submissions (2):

Dept Of Ophthalmology, Nagoya University
Classification: Uncertain significance for Retinal dystrophy. Last evaluated: 2023-10-01. Review status: criteria provided, single submitter. Criteria: Submitter's publication. Collection method: research. Allele origin: germline. Affected: yes.

Labcorp Genetics (formerly Invitae), Labcorp
Classification: Uncertain significance. Last evaluated: 2022-07-19. Review status: criteria provided, single submitter. Criteria: Invitae Variant Classification Sherloc (09022015). Collection method: clinical testing. Allele origin: germline.
Comment: This sequence change replaces aspartic acid, which is acidic and polar, with asparagine, which is neutral and polar, at codon 840 of the MERTK protein (p.Asp840Asn). This variant is present in population databases (no rsID available, gnomAD 0.06%). This variant has not been reported in the literature in individuals affected with MERTK-related conditions. Algorithms developed to predict the effect of missense changes on protein structure and function output the following: SIFT: "Tolerated"; PolyPhen-2: "Benign"; Align-GVGD: "Class C0". The asparagine amino acid residue is found in multiple mammalian species, which suggests that this missense change does not adversely affect protein function. In summary, the available evidence is currently insufficient to determine the role of this variant in disease. Therefore, it has been classified as a Variant of Uncertain Significance.